The following continues an entry in ClinVar:

NM_000311.5(PRNP):c.598G>A (p.Glu200Lys)

Gene: PRNP. ClinVar aggregate classification (germline): Pathogenic. Pathogenic (10).

Submissions 10 to 13 of 13:

Juno Genomics, Hangzhou Juno Genomics, Inc
Classification: Pathogenic for Inherited Creutzfeldt-Jakob disease. Review status: criteria provided, single submitter. Criteria: ACMG Guidelines, 2015. Collection method: clinical testing. Allele origin: germline. Affected: yes.
Comment: Absent from controls (or at extremely low frequency if recessive) in Genome Aggregation Database, Exome Sequencing Project, 1000 Genomes Project, or Exome Aggregation Consortium.;The prevalence of the variant in affected individuals is significantly increased compared to the prevalence in controls.;Patient's phenotype or family history is highly specific for a disease with a single genetic etiology.;Well-established in vitro or in vivo functional studies supportive of a damaging effect on the gene or gene product.

OMIM
Classification: Pathogenic for CREUTZFELDT-JAKOB DISEASE. Last evaluated: 2014-10-02. Review status: no assertion criteria provided. Collection method: literature only. Allele origin: germline. Not counted in ClinVar's aggregate classification.

OMIM
Classification: Pathogenic for FATAL FAMILIAL INSOMNIA. Last evaluated: 2014-10-02. Review status: no assertion criteria provided. Collection method: literature only. Allele origin: germline. Not counted in ClinVar's aggregate classification.

GeneReviews
No classification provided. Condition: Inherited Creutzfeldt-Jakob disease. Review status: no classification provided. Collection method: literature only. Allele origin: germline. Not counted in ClinVar's aggregate classification.
Comment: Associated with genetic Creutzfeldt-Jakob disease phenotype. One of the five most common variants that account for 85% of genetic prion disease.

Literature cited by the submitters: PubMed 15366237 (cited by 3billion and Labcorp Genetics (formerly Invitae), Labcorp); PubMed 14967768 (cited by 3billion and Labcorp Genetics (formerly Invitae), Labcorp); PubMed 22584955 (cited by 3billion and Labcorp Genetics (formerly Invitae), Labcorp); PubMed 24330864 (cited by 3billion); PubMed 11839833 (cited by 4 submitters); PubMed 20514992 (cited by 3 submitters); PubMed 2572450 (cited by 4 submitters); PubMed 10360778 (cited by Labcorp Genetics (formerly Invitae), Labcorp); PubMed 20593190 (cited by Labcorp Genetics (formerly Invitae), Labcorp and Mayo Clinic Laboratories, Mayo Clinic); PubMed 23296137 (cited by Labcorp Genetics (formerly Invitae), Labcorp); PubMed 25064618 (cited by Labcorp Genetics (formerly Invitae), Labcorp); PubMed 25522698 (cited by Labcorp Genetics (formerly Invitae), Labcorp and Mayo Clinic Laboratories, Mayo Clinic); PubMed 27803826 (cited by Labcorp Genetics (formerly Invitae), Labcorp and Mayo Clinic Laboratories, Mayo Clinic); PubMed 9813003 (cited by Labcorp Genetics (formerly Invitae), Labcorp and Mayo Clinic Laboratories, Mayo Clinic); PubMed 11756597 (cited by Labcorp Genetics (formerly Invitae), Labcorp); PubMed 17494694 (cited by Labcorp Genetics (formerly Invitae), Labcorp and Mayo Clinic Laboratories, Mayo Clinic); PubMed 20139714 (cited by Labcorp Genetics (formerly Invitae), Labcorp); PubMed 21298055 (cited by Labcorp Genetics (formerly Invitae), Labcorp); PubMed 22072968 (cited by Labcorp Genetics (formerly Invitae), Labcorp); PubMed 22318125 (cited by Labcorp Genetics (formerly Invitae), Labcorp); PubMed 23132868 (cited by Labcorp Genetics (formerly Invitae), Labcorp); PubMed 23723004 (cited by Labcorp Genetics (formerly Invitae), Labcorp); PubMed 1975028 (cited by Mayo Clinic Laboratories, Mayo Clinic and OMIM); PubMed 2253724 (cited by OMIM); PubMed 1684755 (cited by OMIM); PubMed 1684758 (cited by OMIM); PubMed 1469441 (cited by OMIM); PubMed 1351274 (cited by OMIM); PubMed 8105682 (cited by OMIM); PubMed 7999318 (cited by OMIM); PubMed 7936296 (cited by OMIM); PubMed 1404799 (cited by OMIM); PubMed 1798423 (cited by OMIM); PubMed 7916462 (cited by OMIM); PubMed 9279329 (cited by OMIM); PubMed 10090891 (cited by OMIM); PubMed 10889050 (cited by OMIM); PubMed 10665501 (cited by OMIM); PubMed 25279981 (cited by OMIM); PubMed 8618678 (cited by OMIM); PubMed 29887139 (cited by GeneReviews); PubMed 20301407 (cited by GeneReviews).